The following is an entry in ClinVar:

NM_000612.6(IGF2):c.212G>A (p.Cys71Tyr)

Genes: INS-IGF2 (INS-IGF2 readthrough; minus strand), IGF2 (insulin like growth factor 2; minus strand). Cytogenetic location: 11p15.5.
Variant type: single nucleotide variant.
Coding change: c.212G>A on transcript NM_000612.6 (MANE Select); coding-DNA position 212, G replaced by A.
Protein change: p.Cys71Tyr; replaces cysteine 71 with tyrosine.
Molecular consequence: missense variant. On other transcripts: non-coding transcript variant (1).
Genome position (GRCh38, 1-based): chr11:2,133,611, C>T on the plus strand (G>A on the coding strand, the complement: IGF2 is on the minus strand). VCF-style: chr11-2133611-C-T. GRCh37 (hg19) VCF-style: chr11-2154841-C-T.
Other names: c.212G>A, p.Cys71Tyr (NM_001007139.6, NM_001291861.3, NM_001291862.3); c.380G>A, p.Cys127Tyr (NM_001127598.3); short protein forms C127Y, C71Y.
Identifiers: ClinVar variation 1409569 (VCV001409569.6), dbSNP rs2133585057, ClinGen allele CA379113624.
Genomic context (GRCh38, chr11:2,133,611, plus strand): 5'-TCGGACTTGGCGGGGGTAGCACAGTACGTCTCCAGGAGGGCCAGGTCACAGCTGCGGAAA[C>T]AGCACTCCTCAACGATGCCACGGCTGCGACGGCTCACACGGCTTGCGGGCCTGCCTGGAA-3'
Protein context (NP_000603.1, residues 61-81): RRSRGIVEEC[Cys71Tyr]FRSCDLALLE

ClinVar aggregate classification (germline): Uncertain significance (1 of 4 stars; one submission).

Submission:

Labcorp Genetics (formerly Invitae), Labcorp
Classification: Uncertain significance. Last evaluated: 2024-11-05. Review status: criteria provided, single submitter. Criteria: Invitae Variant Classification Sherloc (09022015). Collection method: clinical testing. Allele origin: germline.
Comment: This sequence change replaces cysteine, which is neutral and slightly polar, with tyrosine, which is neutral and polar, at codon 71 of the IGF2 protein (p.Cys71Tyr). This variant is not present in population databases (gnomAD no frequency). This variant has not been reported in the literature in individuals affected with IGF2-related conditions. ClinVar contains an entry for this variant (Variation ID: 1409569). An algorithm developed to predict the effect of missense changes on protein structure and function (PolyPhen-2) suggests that this variant is likely to be disruptive. This variant disrupts the p.Cys71 amino acid residue in IGF2. Other variant(s) that disrupt this residue have been observed in individuals with IGF2-related conditions (PMID: 31544945, 33482836), which suggests that this may be a clinically significant amino acid residue. In summary, the available evidence is currently insufficient to determine the role of this variant in disease. Therefore, it has been classified as a Variant of Uncertain Significance.

Literature cited by the submitters: PubMed 31544945; PubMed 33482836.